The following is an entry in ClinVar:

ClinVar aggregate classification (germline): Uncertain significance (1 of 4 stars; one submission).

Conditions:
Capillary malformation-arteriovenous malformation syndrome. Also called: Capillary malformation-arteriovenous malformation. Identifiers: Orphanet 137667, MedGen C1842180, MONDO:0012016.

Allele frequency attached by ClinVar (database versions not stated): TOPMed below 0.00001; gnomAD 0.00001; gnomAD exomes 0.00001.
gnomAD v4.1: 9 of 1,610,888 alleles (0.00056%); highest among the groups gnomAD compares: Non-Finnish European, 0.00076%; no homozygotes.

Submission:

Labcorp Genetics (formerly Invitae), Labcorp
Classification: Uncertain significance for Capillary malformation-arteriovenous malformation syndrome. Last evaluated: 2021-11-27. Review status: criteria provided, single submitter. Criteria: Invitae Variant Classification Sherloc (09022015). Collection method: clinical testing. Allele origin: germline.
Comment: Algorithms developed to predict the effect of missense changes on protein structure and function (SIFT, PolyPhen-2, Align-GVGD) all suggest that this variant is likely to be tolerated. This missense change has been observed in individual(s) with clinical features of hereditary hemorrhagic telangiectasia (PMID: 29891884). This variant is not present in population databases (gnomAD no frequency). This sequence change replaces glutamic acid, which is acidic and polar, with glutamine, which is neutral and polar, at codon 70 of the RASA1 protein (p.Glu70Gln). In summary, the available evidence is currently insufficient to determine the role of this variant in disease. Therefore, it has been classified as a Variant of Uncertain Significance.

Literature cited by the submitters: PubMed 29891884.

NM_002890.3(RASA1):c.208G>C (p.Glu70Gln)

Gene: RASA1 (RAS p21 protein activator 1; plus strand). Cytogenetic location: 5q14.3.
Variant type: single nucleotide variant.
Coding change: c.208G>C on transcript NM_002890.3 (MANE Select); coding-DNA position 208, G replaced by C.
Protein change: p.Glu70Gln; replaces glutamic acid 70 with glutamine.
Molecular consequence: missense variant.
Genome position (GRCh38, 1-based): chr5:87,268,659, G>C. VCF-style: chr5-87268659-G-C. GRCh37 (hg19) VCF-style: chr5-86564476-G-C.
Other names: short protein forms E70Q.
Identifiers: ClinVar variation 2143832 (VCV002143832.4), dbSNP rs1451991734, ClinGen allele CA360416977.